The following is an entry in ClinVar:

NM_025114.4(CEP290):c.2842G>A (p.Ala948Thr)

Gene: CEP290 (centrosomal protein 290; minus strand). Cytogenetic location: 12q21.32.
Variant type: single nucleotide variant.
Coding change: c.2842G>A on transcript NM_025114.4 (MANE Select); coding-DNA position 2842, G replaced by A.
Protein change: p.Ala948Thr; replaces alanine 948 with threonine.
Molecular consequence: missense variant.
Genome position (GRCh38, 1-based): chr12:88,102,987, C>T on the plus strand (G>A on the coding strand, the complement: CEP290 is on the minus strand). VCF-style: chr12-88102987-C-T. GRCh37 (hg19) VCF-style: chr12-88496764-C-T.
Other names: short protein forms A948T.
Identifiers: ClinVar variation 4982322 (VCV004982322.1).

ClinVar aggregate classification (germline): Uncertain significance (1 of 4 stars; one submission).

Conditions:
CEP290-related disorder. Also called: CEP290-related condition; CEP290-related disorders. Identifiers: MedGen CN239314.

gnomAD v4.1: 9 of 1,559,642 alleles (0.00058%); highest among the groups gnomAD compares: Non-Finnish European, 0.0006%; no homozygotes.

Submission:

PreventionGenetics, part of Exact Sciences
Classification: Uncertain significance for CEP290-related condition. Last evaluated: 2025-05-27. Review status: criteria provided, single submitter. Criteria: ACMG Guidelines, 2015. Collection method: clinical testing. Allele origin: germline.
Comment: The CEP290 c.2842G>A variant is predicted to result in the amino acid substitution p.Ala948Thr. To our knowledge, this variant has not been reported in the literature. This variant is reported in 0.0084% of alleles in individuals of European (Finnish) descent in gnomAD. At this time, the clinical significance of this variant is uncertain due to the absence of conclusive functional and genetic evidence.